The following is an entry in ClinVar:

ClinVar aggregate classification (germline): Benign/Likely benign. Review status: criteria provided, multiple submitters, no conflicts (2 of 4 stars). 3 submissions from 3 submitters: Benign (2); Likely benign (1). Last evaluated 2025-03-13.

Conditions:
EP300-related disorder. Also called: EP300-related disorders; EP300-related condition.
Rubinstein-Taybi syndrome due to EP300 haploinsufficiency. Also called: EP300-Related Rubinstein-Taybi Syndrome; RUBINSTEIN-TAYBI SYNDROME 2. Identifiers: Orphanet 353284, Orphanet 783, MedGen C3150941, MONDO:0013364, OMIM 613684.

Allele frequency attached by ClinVar (database versions not stated): TOPMed below 0.00001; gnomAD 0.00001; gnomAD exomes 0.00002; ExAC 0.00007.
gnomAD v4.1: 38 of 1,614,136 alleles (0.0024%); highest among the groups gnomAD compares: South Asian, 0.04%; 1 homozygote.

Submissions (3):

Labcorp Genetics (formerly Invitae), Labcorp
Classification: Benign for Rubinstein-Taybi syndrome due to EP300 haploinsufficiency. Last evaluated: 2025-03-13. Review status: criteria provided, single submitter. Criteria: Invitae Variant Classification Sherloc (09022015). Collection method: clinical testing. Allele origin: germline.

PreventionGenetics, part of Exact Sciences
Classification: Likely benign for EP300-related condition. Last evaluated: 2025-03-11. Review status: criteria provided, single submitter. Criteria: ACMG Guidelines, 2015. Collection method: clinical testing. Allele origin: germline.
Comment: This variant is classified as likely benign based on ACMG/AMP sequence variant interpretation guidelines (Richards et al. 2015 PMID: 25741868, with internal and published modifications).

Blueprint Genetics
Classification: Benign. Last evaluated: 2020-08-13. Review status: criteria provided, single submitter. Criteria: ACMG Guidelines, 2015. Collection method: clinical testing. Allele origin: germline.

NM_001429.4(EP300):c.1113A>G (p.Thr371=)

Gene: EP300 (EP300 lysine acetyltransferase; plus strand). Cytogenetic location: 22q13.2.
Variant type: single nucleotide variant.
Coding change: c.1113A>G on transcript NM_001429.4 (MANE Select); coding-DNA position 1113, A replaced by G.
Protein change: p.Thr371=; no amino-acid change (threonine 371 retained).
Molecular consequence: synonymous variant.
Genome position (GRCh38, 1-based): chr22:41,127,693, A>G. VCF-style: chr22-41127693-A-G. GRCh37 (hg19) VCF-style: chr22-41523697-A-G.
Other names: c.1113A>G, p.Thr371= (NM_001362843.2); c.1113A>G (NM_001429.3).
Identifiers: ClinVar variation 2909236 (VCV002909236.5), dbSNP rs748993032, ClinGen allele CA10252424.